The following is an entry in ClinVar:

ClinVar aggregate classification (germline): Uncertain significance (1 of 4 stars; one submission).

Conditions:
Familial thoracic aortic aneurysm and aortic dissection (TAAD). Also called: Thoracic aortic aneurysms and dissections. Identifiers: Orphanet 91387, MedGen C4707243, MONDO:0019625.

Submission:

Ambry Genetics
Classification: Uncertain significance for Familial thoracic aortic aneurysm and aortic dissection. Last evaluated: 2025-09-26. Review status: criteria provided, single submitter. Criteria: Ambry Variant Classification Scheme 2023. Collection method: clinical testing. Allele origin: germline.
Comment: The p.E1426K variant (also known as c.4276G>A), located in coding exon 21 of the MYLK gene, results from a G to A substitution at nucleotide position 4276. The glutamic acid at codon 1426 is replaced by lysine, an amino acid with similar properties. This amino acid position is highly conserved in available vertebrate species. In addition, this alteration is predicted to be tolerated by in silico analysis. Based on the available evidence, the clinical significance of this variant remains unclear.

NM_053025.4(MYLK):c.4276G>A (p.Glu1426Lys)

Gene: MYLK (myosin light chain kinase; minus strand). Cytogenetic location: 3q21.1.
Variant type: single nucleotide variant.
Coding change: c.4276G>A on transcript NM_053025.4 (MANE Select); coding-DNA position 4276, G replaced by A.
Protein change: p.Glu1426Lys; replaces glutamic acid 1426 with lysine.
Molecular consequence: missense variant.
Genome position (GRCh38, 1-based): chr3:123,657,138, C>T on the plus strand (G>A on the coding strand, the complement: MYLK is on the minus strand). VCF-style: chr3-123657138-C-T. GRCh37 (hg19) VCF-style: chr3-123375985-C-T.
Other names: c.3748G>A, p.Glu1250Lys (NM_001321309.2); c.4069G>A, p.Glu1357Lys (NM_053026.4, NM_053028.4); c.4276G>A, p.Glu1426Lys (NM_053027.4); short protein forms E1357K, E1250K, E1426K.
Identifiers: ClinVar variation 4635437 (VCV004635437.1).
Genomic context (GRCh38, chr3:123,657,138, plus strand): 5'-AGTCACGCACATTTGTTTCAAGCCACTGATGAAGTGATGGCAGCCTACCTTCAGGTTTCT[C>T]TCCTACCGTTGTGAGTTCAGACTCCTGGCTTGGCTCACTGGTTCCATACACGTTGATTGC-3'
Protein context (NP_444253.3, residues 1416-1436): SQESELTTVG[Glu1426Lys]KPEEPKDEVE